The following is an entry in ClinVar:

ClinVar aggregate classification (germline): Uncertain significance. Review status: criteria provided, multiple submitters, no conflicts (2 of 4 stars). 3 submissions from 3 submitters: Uncertain significance (3). Last evaluated 2024-07-08.

Conditions:
Inborn genetic diseases. Identifiers: MedGen C0950123, MeSH D030342.

Allele frequency attached by ClinVar (database versions not stated): ExAC 0.00003; gnomAD 0.00004; gnomAD exomes 0.00004 and 0.00006.
gnomAD v4.1: 95 of 1,611,094 alleles (0.0059%); highest among the groups gnomAD compares: East Asian, 0.013%; no homozygotes.

Submissions (3):

GeneDx
Classification: Uncertain significance. Last evaluated: 2024-07-08. Review status: criteria provided, single submitter. Criteria: GeneDx Variant Classification Process June 2021. Collection method: clinical testing. Allele origin: germline. Affected: yes.
Comment: Not observed at significant frequency in large population cohorts (gnomAD); In silico analysis supports that this missense variant has a deleterious effect on protein structure/function; Has not been previously published as pathogenic or benign to our knowledge

Ambry Genetics
Classification: Uncertain significance for Inborn genetic diseases. Last evaluated: 2023-08-08. Review status: criteria provided, single submitter. Criteria: Ambry Variant Classification Scheme 2023. Collection method: clinical testing. Allele origin: germline.

Women's Health and Genetics/Laboratory Corporation of America, LabCorp
Classification: Uncertain significance. Last evaluated: 2022-05-03. Review status: criteria provided, single submitter. Criteria: LabCorp Variant Classification Summary - May 2015. Collection method: clinical testing. Allele origin: germline.

NM_017547.4(FOXRED1):c.1112C>T (p.Pro371Leu)

Gene: FOXRED1 (FAD dependent oxidoreductase domain containing 1; plus strand). Cytogenetic location: 11q24.2.
Variant type: single nucleotide variant.
Coding change: c.1112C>T on transcript NM_017547.4 (MANE Select); coding-DNA position 1112, C replaced by T.
Protein change: p.Pro371Leu; replaces proline 371 with leucine.
Molecular consequence: missense variant. On other transcripts: non-coding transcript variant (2).
Genome position (GRCh38, 1-based): chr11:126,277,081, C>T. VCF-style: chr11-126277081-C-T. GRCh37 (hg19) VCF-style: chr11-126146976-C-T.
Other names: short protein forms P371L.
Identifiers: ClinVar variation 1696346 (VCV001696346.4), dbSNP rs773871022, ClinGen allele CA6354372.